The following is an entry in ClinVar:

NM_000257.4(MYH7):c.2295C>T (p.Phe765=)

Genes: MYH7 (myosin heavy chain 7; minus strand), LOC126861898 (BRD4-independent group 4 enhancer GRCh37_chr14:23893609-23894808; plus strand). Cytogenetic location: 14q11.2.
Variant type: single nucleotide variant.
Coding change: c.2295C>T on transcript NM_000257.4 (MANE Select); coding-DNA position 2295, C replaced by T.
Protein change: p.Phe765=; no amino-acid change (phenylalanine 765 retained).
Molecular consequence: synonymous variant.
Genome position (GRCh38, 1-based): chr14:23,425,410, G>A on the plus strand (C>T on the coding strand, the complement: MYH7 is on the minus strand). VCF-style: chr14-23425410-G-A. GRCh37 (hg19) VCF-style: chr14-23894619-G-A.
Identifiers: ClinVar variation 919583 (VCV000919583.15), dbSNP rs1490366072, ClinGen allele CA485622919.
Genomic context (GRCh38, chr14:23,425,410, plus strand): 5'-GATGATGCGGCTCAGCCTCTCGTCCCTCATTTCCTCCAGCAGCCCCAGCAGCCCGGCCTT[G>A]AAGAACACCTGCAGGCAAGGTGTGTGTTGGCCATGACTAGGGAGGGGTACGAGGGAAAGA-3'
Protein context (NP_000248.2, residues 755-775): QYKFGHTKVF[Phe765=]KAGLLGLLEE

ClinVar aggregate classification (germline): Likely benign. Review status: criteria provided, multiple submitters, no conflicts (2 of 4 stars). 4 submissions from 4 submitters: Likely benign (4). Last evaluated 2024-05-30.

Conditions:
Cardiovascular phenotype. Identifiers: MedGen CN230736.
Hypertrophic cardiomyopathy. Also called: HYPERTROPHIC MYOCARDIOPATHY. Identifiers: Orphanet 217569, MedGen C0007194, MeSH D002312, MONDO:0005045, HP:0001639.
Cardiomyopathy (CMYO). Also called: Cardiomyopathies. Identifiers: Orphanet 167848, MedGen C0878544, MONDO:0004994, HP:0001638. Inheritance: Various modes of inheritance.

Allele frequency attached by ClinVar (database versions not stated): TOPMed 0.00002; gnomAD 0.00003.
gnomAD v4.1: 4 of 1,614,042 alleles (0.00025%); highest among the groups gnomAD compares: African/African-American, 0.004%; no homozygotes.

Submissions (4):

All of Us Research Program, National Institutes of Health
Classification: Likely benign for Cardiomyopathy. Last evaluated: 2024-05-30. Review status: criteria provided, single submitter. Criteria: ACMG Guidelines, 2015. Collection method: clinical testing. Allele origin: germline. Inheritance: Autosomal dominant inheritance. Observed: 2 variant alleles, 2 heterozygotes.
Comment: This study involves interpretation of variants in research participants for the purpose of population health screening. Participant phenotype was not available at the time of variant classification. Additional details can be found in publication PMID: 35346344, PMCID: PMC8962531

Ambry Genetics
Classification: Likely benign for Cardiovascular phenotype. Last evaluated: 2021-03-31. Review status: criteria provided, single submitter. Criteria: Ambry Variant Classification Scheme 2023. Collection method: clinical testing. Allele origin: germline.

Color Diagnostics, LLC DBA Color Health
Classification: Likely benign for Cardiomyopathy. Last evaluated: 2020-03-17. Review status: criteria provided, single submitter. Criteria: ACMG Guidelines, 2015. Collection method: clinical testing. Allele origin: germline.

Labcorp Genetics (formerly Invitae), Labcorp
Classification: Likely benign for Hypertrophic cardiomyopathy. Last evaluated: 2018-09-28. Review status: criteria provided, single submitter. Criteria: Invitae Variant Classification Sherloc (09022015). Collection method: clinical testing. Allele origin: germline.